The following is an entry in ClinVar:

NM_003482.4(KMT2D):c.15967dup (p.Arg5323fs)

Gene: KMT2D (lysine methyltransferase 2D; minus strand). Cytogenetic location: 12q13.12.
Variant type: Duplication.
Coding change: c.15967dup on transcript NM_003482.4 (MANE Select); coding-DNA position 15967, one base duplicated (C; older notation c.15967dupC).
Protein change: p.Arg5323fs; shifts the reading frame from arginine 5323.
Molecular consequence: frameshift variant.
Genome position (GRCh38, 1-based): chr12:49,024,663, G duplicated on the plus strand (C on the coding strand, the reverse complement: KMT2D is on the minus strand). VCF-style (leftmost placement, unchanged base first): chr12-49024662-C-CG. GRCh37 (hg19) VCF-style: chr12-49418445-C-CG.
Other names: c.15967dupC (NM_003482.3); short protein forms R5323fs.
Identifiers: ClinVar variation 4838703 (VCV004838703.1).

ClinVar aggregate classification (germline): Pathogenic (1 of 4 stars; one submission).

Conditions:
Inborn genetic diseases. Identifiers: MedGen C0950123, MeSH D030342.

Submission:

Ambry Genetics
Classification: Pathogenic for Inborn genetic diseases. Last evaluated: 2026-01-20. Review status: criteria provided, single submitter. Criteria: Ambry Variant Classification Scheme 2023. Collection method: clinical testing. Allele origin: germline.
Comment: The c.15967dupC alteration, located in exon 50 (coding exon 50) of the KMT2D gene, consists of a duplication of C at position 15967, causing a translational frameshift with a predicted alternate stop codon after amino acids. This alteration is expected to result in loss of function by premature protein truncation or nonsense-mediated mRNA decay. This variant was not reported in population-based cohorts in the Genome Aggregation Database (gnomAD). Based on the available evidence, this alteration is classified as pathogenic.